The following is an entry in ClinVar:

ClinVar aggregate classification (germline): Uncertain significance. Review status: criteria provided, multiple submitters, no conflicts (2 of 4 stars). 5 submissions from 5 submitters: Uncertain significance (4). 1 of the submissions does not count toward it. Last evaluated 2026-02-05.

Conditions:
SLC37A4-related disorder. Also called: SLC37A4-related condition.
Inborn genetic diseases. Identifiers: MedGen C0950123, MeSH D030342.
Glucose-6-phosphate transport defect (GSD1B). Also called: Glycogen Storage Disease Type Ib; GSD Ib. Identifiers: Orphanet 364, Orphanet 79259, MedGen C0268146, MONDO:0009288, OMIM 232220.

Allele frequency attached by ClinVar (database versions not stated): gnomAD 0.00004 and 0.00003; ExAC 0.00001; gnomAD exomes 0.00001; TOPMed 0.00002.

Submissions (5):

PreventionGenetics, part of Exact Sciences
Classification: Uncertain significance for SLC37A4-related condition. Last evaluated: 2026-02-05. Review status: criteria provided, single submitter. Criteria: ACMG Guidelines, 2015. Collection method: clinical testing. Allele origin: germline.
Comment: The SLC37A4 c.700C>T variant is predicted to result in the amino acid substitution p.Leu234Phe. To our knowledge, this variant has not been reported in the literature. This variant is reported in 0.0023% of alleles in individuals of European (Non-Finnish) descent in gnomAD. At this time, the clinical significance of this variant is uncertain due to the absence of conclusive functional and genetic evidence.

Ambry Genetics
Classification: Uncertain significance for Inborn genetic diseases. Last evaluated: 2025-08-23. Review status: criteria provided, single submitter. Criteria: Ambry Variant Classification Scheme 2023. Collection method: clinical testing. Allele origin: germline.

Labcorp Genetics (formerly Invitae), Labcorp
Classification: Uncertain significance for Glucose-6-phosphate transport defect. Last evaluated: 2024-12-04. Review status: criteria provided, single submitter. Criteria: Invitae Variant Classification Sherloc (09022015). Collection method: clinical testing. Allele origin: germline.
Comment: This sequence change replaces leucine, which is neutral and non-polar, with phenylalanine, which is neutral and non-polar, at codon 234 of the SLC37A4 protein (p.Leu234Phe). This variant is present in population databases (rs782616313, gnomAD 0.002%). This variant has not been reported in the literature in individuals affected with SLC37A4-related conditions. ClinVar contains an entry for this variant (Variation ID: 452731). Invitae Evidence Modeling of protein sequence and biophysical properties (such as structural, functional, and spatial information, amino acid conservation, physicochemical variation, residue mobility, and thermodynamic stability) indicates that this missense variant is not expected to disrupt SLC37A4 protein function with a negative predictive value of 80%. In summary, the available evidence is currently insufficient to determine the role of this variant in disease. Therefore, it has been classified as a Variant of Uncertain Significance.

GeneDx
Classification: Uncertain significance. Last evaluated: 2017-10-16. Review status: criteria provided, single submitter. Criteria: GeneDx Variant Classification (06012015). Collection method: clinical testing. Allele origin: germline. Affected: yes.
Comment: The L234F variant in the SLC37A4 gene has not been reported previously as a pathogenic variant, nor as a benign variant, to our knowledge. The L234F variant is not observed at a significant frequency in large population cohorts (Lek et al., 2016). The L234F variant is a conservative amino acid substitution, which occurs at a position that is conserved across species. In silico analysis is inconsistent in its predictions as to whether or not the variant is damaging to the protein structure/function. We interpret L234F as a variant of uncertain significance.

Natera, Inc.
Classification: Uncertain significance for Glycogen storage disease type Ib. Last evaluated: 2020-04-16. Review status: no assertion criteria provided. Collection method: clinical testing. Allele origin: germline. Not counted in ClinVar's aggregate classification.

NM_001164277.2(SLC37A4):c.700C>T (p.Leu234Phe)

Gene: SLC37A4 (solute carrier family 37 member 4; minus strand). Cytogenetic location: 11q23.3.
Variant type: single nucleotide variant.
Coding change: c.700C>T on transcript NM_001164277.2 (MANE Select); coding-DNA position 700, C replaced by T.
Protein change: p.Leu234Phe; replaces leucine 234 with phenylalanine.
Molecular consequence: missense variant.
Genome position (GRCh38, 1-based): chr11:119,027,021, G>A on the plus strand (C>T on the coding strand, the complement: SLC37A4 is on the minus strand). VCF-style: chr11-119027021-G-A. GRCh37 (hg19) VCF-style: chr11-118897731-G-A.
Other names: c.700C>T, p.Leu234Phe (NM_001164278.2, NM_001164280.2, NM_001467.6); c.481C>T, p.Leu161Phe (NM_001164279.2); short protein forms L234F, L161F.
Identifiers: ClinVar variation 452731 (VCV000452731.14), dbSNP rs782616313, ClinGen allele CA6311755.